The following is an entry in ClinVar:

NM_017636.4(TRPM4):c.2964G>A (p.Met988Ile)

Gene: TRPM4 (transient receptor potential cation channel subfamily M member 4; plus strand). Cytogenetic location: 19q13.33.
Variant type: single nucleotide variant.
Coding change: c.2964G>A on transcript NM_017636.4 (MANE Select); coding-DNA position 2964, G replaced by A.
Protein change: p.Met988Ile; replaces methionine 988 with isoleucine.
Molecular consequence: missense variant.
Genome position (GRCh38, 1-based): chr19:49,201,974, G>A. VCF-style: chr19-49201974-G-A. GRCh37 (hg19) VCF-style: chr19-49705231-G-A.
Other names: c.2529G>A, p.Met843Ile (NM_001195227.2); c.2619G>A, p.Met873Ile (NM_001321281.2); c.1356G>A, p.Met452Ile (NM_001321282.2); c.2442G>A, p.Met814Ile (NM_001321283.2); c.1902G>A, p.Met634Ile (NM_001321285.2); short protein forms M634I, M843I, M873I, M988I, M452I, M814I.
Identifiers: ClinVar variation 3640735 (VCV003640735.2).
Genomic context (GRCh38, chr19:49,201,974, plus strand): 5'-TCTTAGGTCTCTGTCCCCCTCACCCCATCTCTGAATGTCTCTCTTCACAGTGGCCCTCAT[G>A]GAGCACAGCAACTGCTCGTCGGAGCCCGGCTTCTGGGCACACCCTCCTGGGGCCCAGGCG-3'
Protein context (NP_060106.2, residues 978-998): IPQEDMDVAL[Met988Ile]EHSNCSSEPG

ClinVar aggregate classification (germline): Uncertain significance (1 of 4 stars; one submission).

Conditions:
Progressive familial heart block type IB (PFHB1B). Identifiers: Orphanet 871, MedGen C1970298, MONDO:0011474, OMIM 604559.

Submission:

Labcorp Genetics (formerly Invitae), Labcorp
Classification: Uncertain significance for Progressive familial heart block type IB. Last evaluated: 2025-02-24. Review status: criteria provided, single submitter. Criteria: Invitae Variant Classification Sherloc (09022015). Collection method: clinical testing. Allele origin: germline.
Comment: This sequence change replaces methionine, which is neutral and non-polar, with isoleucine, which is neutral and non-polar, at codon 988 of the TRPM4 protein (p.Met988Ile). This variant is not present in population databases (gnomAD no frequency). This variant has not been reported in the literature in individuals affected with TRPM4-related conditions. An algorithm developed to predict the effect of missense changes on protein structure and function (PolyPhen-2) suggests that this variant is likely to be tolerated. In summary, the available evidence is currently insufficient to determine the role of this variant in disease. Therefore, it has been classified as a Variant of Uncertain Significance.